The following is an entry in ClinVar:

ClinVar aggregate classification (germline): Uncertain significance. Review status: criteria provided, multiple submitters, no conflicts (2 of 4 stars). 3 submissions from 3 submitters: Uncertain significance (3). Last evaluated 2025-12-24.

Conditions:
Ataxia-telangiectasia syndrome (AT). Also called: Ataxia-telangiectasia; LOUIS-BAR SYNDROME; Ataxia-telangiectasia, complementation group D; AT, COMPLEMENTATION GROUP C; ATAXIA-TELANGIECTASIA, COMPLEMENTATION GROUP A; ATAXIA-TELANGIECTASIA, FRESNO VARIANT. Identifiers: Orphanet 100, MedGen C0004135, MONDO:0008840, OMIM 208900.
Hereditary cancer-predisposing syndrome. Also called: Tumor predisposition; Neoplastic Syndromes, Hereditary; Hereditary Cancer Syndrome; Hereditary neoplastic syndrome. Identifiers: Orphanet 140162, MedGen C0027672, MeSH D009386, MONDO:0015356.

Submissions (3):

Labcorp Genetics (formerly Invitae), Labcorp
Classification: Uncertain significance for Ataxia-telangiectasia syndrome. Last evaluated: 2025-12-24. Review status: criteria provided, single submitter. Criteria: Invitae Variant Classification Sherloc (09022015). Collection method: clinical testing. Allele origin: germline.
Comment: This sequence change replaces glutamic acid, which is acidic and polar, with lysine, which is basic and polar, at codon 2094 of the ATM protein (p.Glu2094Lys). This variant is not present in population databases (gnomAD no frequency). This variant has not been reported in the literature in individuals affected with ATM-related conditions. ClinVar contains an entry for this variant (Variation ID: 1331788). Invitae Evidence Modeling of protein sequence and biophysical properties (such as structural, functional, and spatial information, amino acid conservation, physicochemical variation, residue mobility, and thermodynamic stability) indicates that this missense variant is not expected to disrupt ATM protein function with a negative predictive value of 95%. In summary, the available evidence is currently insufficient to determine the role of this variant in disease. Therefore, it has been classified as a Variant of Uncertain Significance.

Ambry Genetics
Classification: Uncertain significance for Hereditary cancer-predisposing syndrome. Last evaluated: 2023-08-07. Review status: criteria provided, single submitter. Criteria: Ambry Variant Classification Scheme 2023. Collection method: clinical testing. Allele origin: germline.
Comment: The p.E2094K variant (also known as c.6280G>A), located in coding exon 42 of the ATM gene, results from a G to A substitution at nucleotide position 6280. The glutamic acid at codon 2094 is replaced by lysine, an amino acid with similar properties. This amino acid position is highly conserved in available vertebrate species. In addition, the in silico prediction for this alteration is inconclusive. Since supporting evidence is limited at this time, the clinical significance of this alteration remains unclear.

Color Diagnostics, LLC DBA Color Health
Classification: Uncertain significance for Hereditary cancer-predisposing syndrome. Last evaluated: 2021-05-04. Review status: criteria provided, single submitter. Criteria: ACMG Guidelines, 2015. Collection method: clinical testing. Allele origin: germline.
Comment: This missense variant replaces glutamic acid with lysine at codon 2094 of the ATM protein. Computational prediction suggests that this variant may not impact protein structure and function (internally defined REVEL score threshold <= 0.5, PMID: 27666373). To our knowledge, functional studies have not been reported for this variant. This variant has not been reported in individuals affected with hereditary cancer in the literature. This variant has not been identified in the general population by the Genome Aggregation Database (gnomAD). The available evidence is insufficient to determine the role of this variant in disease conclusively. Therefore, this variant is classified as a Variant of Uncertain Significance.

NM_000051.4(ATM):c.6280G>A (p.Glu2094Lys)

Genes: ATM (ATM serine/threonine kinase; plus strand), C11orf65 (chromosome 11 open reading frame 65; minus strand). Cytogenetic location: 11q22.3.
Variant type: single nucleotide variant.
Coding change: c.6280G>A on transcript NM_000051.4 (MANE Select); coding-DNA position 6280, G replaced by A.
Protein change: p.Glu2094Lys; replaces glutamic acid 2094 with lysine.
Molecular consequence: missense variant. On other transcripts: intron variant (2).
Genome position (GRCh38, 1-based): chr11:108,317,454, G>A. VCF-style: chr11-108317454-G-A. GRCh37 (hg19) VCF-style: chr11-108188181-G-A.
Other names: c.6280G>A, p.Glu2094Lys (NM_001351834.2); c.641-8383C>T (NM_001330368.2); c.*39-8383C>T (NM_001351110.2); short protein forms E2094K.
Identifiers: ClinVar variation 1331788 (VCV001331788.8), dbSNP rs1565503182, ClinGen allele CA382551997.
Genomic context (GRCh38, chr11:108,317,454, plus strand): 5'-TGCCATATTCTTTCCGTCTATTTAAAAGGATTGGATTATGAAAATAAAGACTGGTGTCCT[G>A]AACTAGAAGAACTTCATTACCAAGCAGCATGGAGGAATATGCAGTGGGACCATTGCACTT-3'
Protein context (NP_000042.3, residues 2084-2104): LDYENKDWCP[Glu2094Lys]LEELHYQAAW